The following is an entry in ClinVar:

ClinVar aggregate classification (germline): Benign/Likely benign. Review status: criteria provided, multiple submitters, no conflicts (2 of 4 stars). 9 submissions from 9 submitters: Benign (4); Likely benign (5). Last evaluated 2026-01-28.

Conditions:
Microcephalic osteodysplastic primordial dwarfism type II (MOPD2). Also called: MOPD II; OSTEODYSPLASTIC PRIMORDIAL DWARFISM, TYPE II; Microcephalic osteodysplastic primordial dwarfism with tooth abnormalities. Identifiers: Orphanet 2637, MedGen C0432246, MONDO:0008872, OMIM 210720.

Allele frequency attached by ClinVar (database versions not stated): 1000 Genomes Project 30x 0.00062; 1000 Genomes Project 0.00080; TOPMed 0.00297; ESP Exome Variant Server 0.00315; gnomAD 0.00494 and 0.00516; ExAC 0.00520; gnomAD exomes 0.00537.
gnomAD v4.1: 8,200 of 1,612,910 alleles (0.51%); highest among the groups gnomAD compares: Non-Finnish European, 0.49%; 44 homozygotes.

Submissions (9):

Labcorp Genetics (formerly Invitae), Labcorp
Classification: Benign. Last evaluated: 2026-01-28. Review status: criteria provided, single submitter. Criteria: Invitae Variant Classification Sherloc (09022015). Collection method: clinical testing. Allele origin: germline.

CeGaT Center for Human Genetics Tuebingen
Classification: Likely benign. Last evaluated: 2026-01-01. Review status: criteria provided, single submitter. Criteria: CeGaT Center For Human Genetics Tuebingen Variant Classification Criteria Version 2. Collection method: clinical testing. Allele origin: germline. Affected: yes. Observed: 9 variant alleles.
Comment: PCNT: BP4, BS2

ARUP Laboratories, Molecular Genetics and Genomics, ARUP Laboratories
Classification: Benign for Microcephalic osteodysplastic primordial dwarfism type II. Last evaluated: 2020-12-05. Review status: criteria provided, single submitter. Criteria: ARUP Molecular Germline Variant Investigation Process 2021. Collection method: clinical testing. Allele origin: germline.

GeneDx
Classification: Benign. Last evaluated: 2018-02-20. Review status: criteria provided, single submitter. Criteria: GeneDx Variant Classification (06012015). Collection method: clinical testing. Allele origin: germline. Affected: yes.
Comment: This variant is considered likely benign or benign based on one or more of the following criteria: it is a conservative change, it occurs at a poorly conserved position in the protein, it is predicted to be benign by multiple in silico algorithms, and/or has population frequency not consistent with disease.

Illumina Laboratory Services, Illumina
Classification: Likely benign for Microcephalic osteodysplastic primordial dwarfism type II. Last evaluated: 2018-01-12. Review status: criteria provided, single submitter. Criteria: ICSL Variant Classification Criteria 13 December 2019. Collection method: clinical testing. Allele origin: germline.
Comment: This variant was observed in the ICSL laboratory as part of a predisposition screen in an ostensibly healthy population. It had not been previously curated by ICSL or reported in the Human Gene Mutation Database (HGMD: prior to June 1st, 2018), and was therefore a candidate for classification through an automated scoring system. Utilizing variant allele frequency, disease prevalence and penetrance estimates, and inheritance mode, an automated score was calculated to assess if this variant is too frequent to cause the disease. Based on the score and internal cut-off values, a variant classified as likely benign is not then subjected to further curation. The score for this variant resulted in a classification of likely benign for this disease.

Center for Pediatric Genomic Medicine, Children's Mercy Hospital and Clinics
Classification: Likely benign. Last evaluated: 2017-09-05. Review status: criteria provided, single submitter. Criteria: ACMG Guidelines, 2015. Collection method: clinical testing. Allele origin: germline.

Genetic Services Laboratory, University of Chicago
Classification: Likely benign. Last evaluated: 2015-07-29. Review status: criteria provided, single submitter. Criteria: ACMG Guidelines, 2015. Collection method: clinical testing. Allele origin: germline.

Eurofins Ntd Llc (ga)
Classification: Benign. Last evaluated: 2015-04-22. Review status: criteria provided, single submitter. Criteria: EGL Classification Definitions 2015. Collection method: clinical testing. Allele origin: germline. Observed: 2 variant alleles, 1 heterozygote, 1 homozygote.

Breakthrough Genomics
Classification: Likely benign. Review status: criteria provided, single submitter. Criteria: ACMG Guidelines, 2015. Collection method: not provided. Allele origin: germline. Inheritance: Autosomal recessive inheritance. Affected: yes.

NM_006031.6(PCNT):c.6634C>T (p.Arg2212Trp)

Gene: PCNT (pericentrin; plus strand). Cytogenetic location: 21q22.3.
Variant type: single nucleotide variant.
Coding change: c.6634C>T on transcript NM_006031.6 (MANE Select); coding-DNA position 6634, C replaced by T.
Protein change: p.Arg2212Trp; replaces arginine 2212 with tryptophan.
Molecular consequence: missense variant.
Genome position (GRCh38, 1-based): chr21:46,416,552, C>T. VCF-style: chr21-46416552-C-T. GRCh37 (hg19) VCF-style: chr21-47836466-C-T.
Other names: c.6280C>T, p.Arg2094Trp (NM_001315529.2); short protein forms R2212W, R2094W.
Identifiers: ClinVar variation 159639 (VCV000159639.53), dbSNP rs144471022, ClinGen allele CA202488.